The following is an entry in ClinVar:

NM_001040108.2(MLH3):c.4184A>G (p.His1395Arg)

Gene: MLH3 (mutL homolog 3; minus strand). Cytogenetic location: 14q24.3.
Variant type: single nucleotide variant.
Coding change: c.4184A>G on transcript NM_001040108.2 (MANE Select); coding-DNA position 4184, A replaced by G.
Protein change: p.His1395Arg; replaces histidine 1395 with arginine.
Molecular consequence: missense variant.
Genome position (GRCh38, 1-based): chr14:75,018,887, T>C on the plus strand (A>G on the coding strand, the complement: MLH3 is on the minus strand). VCF-style: chr14-75018887-T-C. GRCh37 (hg19) VCF-style: chr14-75485590-T-C.
Other names: c.4112A>G, p.His1371Arg (NM_014381.3); short protein forms H1371R, H1395R.
Identifiers: ClinVar variation 5024576 (VCV005024576.1).
Genomic context (GRCh38, chr14:75,018,887, plus strand): 5'-ACCTGTTTTTCCTGTTCCAAGTGGTCTATGTCAGCTAACGGCAGCATAGAAGGTCTCCCG[T>C]GAGCACACTGGAATGGCAGCTGGCATGAGGACAGAGCTTCAATAAGGCGGCAACTTTCCT-3'
Protein context (NP_001035197.1, residues 1385-1405): SSCQLPFQCA[His1395Arg]GRPSMLPLAD

ClinVar aggregate classification (germline): Uncertain significance (1 of 4 stars; one submission).

Submission:

Ambry Genetics
Classification: Uncertain significance. Last evaluated: 2026-06-24. Review status: criteria provided, single submitter. Criteria: Ambry Variant Classification Scheme 2023. Collection method: clinical testing. Allele origin: germline.
Comment: The p.H1395R variant (also known as c.4184A>G), located in coding exon 11 of the MLH3 gene, results from an A to G substitution at nucleotide position 4184. The histidine at codon 1395 is replaced by arginine, an amino acid with highly similar properties. This amino acid position is conserved. In addition, this alteration is predicted to be deleterious by in silico analysis. Based on the available evidence, the clinical significance of this variant remains unclear.